The following is an entry in ClinVar:

NM_002474.3(MYH11):c.5728G>A (p.Ala1910Thr)

Genes: MYH11 (myosin heavy chain 11; minus strand), NDE1 (nudE neurodevelopment protein 1; plus strand). Cytogenetic location: 16p13.11.
Variant type: single nucleotide variant.
Coding change: c.5728G>A on transcript NM_002474.3 (MANE Select); coding-DNA position 5728, G replaced by A.
Protein change: p.Ala1910Thr; replaces alanine 1910 with threonine.
Molecular consequence: missense variant. On other transcripts: intron variant (2).
Genome position (GRCh38, 1-based): chr16:15,714,967, C>T on the plus strand (G>A on the coding strand, the complement: MYH11 is on the minus strand). VCF-style: chr16-15714967-C-T. GRCh37 (hg19) VCF-style: chr16-15808824-C-T.
Other names: c.5749G>A, p.Ala1917Thr (NM_001040113.2, NM_001040114.2); c.5728G>A, p.Ala1910Thr (NM_022844.3); c.948-9224C>T (NM_001143979.2, NM_017668.3); short protein forms A1910T, A1917T.
Identifiers: ClinVar variation 1468105 (VCV001468105.10), dbSNP rs770320526, ClinGen allele CA7921156.

ClinVar aggregate classification (germline): Uncertain significance. Review status: criteria provided, multiple submitters, no conflicts (2 of 4 stars). 2 submissions from 2 submitters: Uncertain significance (2). Last evaluated 2024-01-17.

Conditions:
Familial thoracic aortic aneurysm and aortic dissection (TAAD). Also called: Thoracic aortic aneurysms and dissections. Identifiers: Orphanet 91387, MedGen C4707243, MONDO:0019625.
Aortic aneurysm, familial thoracic 4 (AAT4). Also called: AORTIC ANEURYSM/AORTIC DISSECTION AND PATENT DUCTUS ARTERIOSUS. Identifiers: MedGen C1851504, MONDO:0007568, OMIM 132900.

Allele frequency attached by ClinVar (database versions not stated): gnomAD exomes below 0.00001; ExAC 0.00001; gnomAD 0.00001; TOPMed 0.00001.
gnomAD v4.1: 5 of 1,613,996 alleles (0.00031%); highest among the groups gnomAD compares: Admixed American, 0.0017%; no homozygotes.

Submissions (2):

Ambry Genetics
Classification: Uncertain significance for Familial thoracic aortic aneurysm and aortic dissection. Last evaluated: 2024-01-17. Review status: criteria provided, single submitter. Criteria: Ambry Variant Classification Scheme 2023. Collection method: clinical testing. Allele origin: germline.

Labcorp Genetics (formerly Invitae), Labcorp
Classification: Uncertain significance for Aortic aneurysm, familial thoracic 4. Last evaluated: 2023-05-31. Review status: criteria provided, single submitter. Criteria: Invitae Variant Classification Sherloc (09022015). Collection method: clinical testing. Allele origin: germline.
Comment: This sequence change replaces alanine, which is neutral and non-polar, with threonine, which is neutral and polar, at codon 1917 of the MYH11 protein (p.Ala1917Thr). This variant is present in population databases (rs770320526, gnomAD 0.003%). This variant has not been reported in the literature in individuals affected with MYH11-related conditions. ClinVar contains an entry for this variant (Variation ID: 1468105). Advanced modeling of protein sequence and biophysical properties (such as structural, functional, and spatial information, amino acid conservation, physicochemical variation, residue mobility, and thermodynamic stability) performed at Invitae indicates that this missense variant is not expected to disrupt MYH11 protein function. In summary, the available evidence is currently insufficient to determine the role of this variant in disease. Therefore, it has been classified as a Variant of Uncertain Significance.